The following is an entry in ClinVar:

ClinVar aggregate classification (germline): Uncertain significance. Review status: criteria provided, multiple submitters, no conflicts (2 of 4 stars). 2 submissions from 2 submitters: Uncertain significance (2). Last evaluated 2024-09-30.

Conditions:
Inborn genetic diseases. Identifiers: MedGen C0950123, MeSH D030342.

Submissions (2):

Ambry Genetics
Classification: Uncertain significance for Inborn genetic diseases. Last evaluated: 2024-09-30. Review status: criteria provided, single submitter. Criteria: Ambry Variant Classification Scheme 2023. Collection method: clinical testing. Allele origin: germline.

Mayo Clinic Laboratories, Mayo Clinic
Classification: Uncertain significance. Last evaluated: 2023-08-18. Review status: criteria provided, single submitter. Criteria: ACMG Guidelines, 2015. Collection method: clinical testing. Allele origin: germline. Observed: 1 variant allele.
Comment: PP3, PM2_moderate

NM_000096.4(CP):c.2989C>T (p.His997Tyr)

Gene: CP (ceruloplasmin; minus strand). Cytogenetic location: 3q24.
Variant type: single nucleotide variant.
Coding change: c.2989C>T on transcript NM_000096.4 (MANE Select); coding-DNA position 2989, C replaced by T.
Protein change: p.His997Tyr; replaces histidine 997 with tyrosine.
Molecular consequence: missense variant. On other transcripts: non-coding transcript variant (1).
Genome position (GRCh38, 1-based): chr3:149,177,869, G>A on the plus strand (C>T on the coding strand, the complement: CP is on the minus strand). VCF-style: chr3-149177869-G-A. GRCh37 (hg19) VCF-style: chr3-148895656-G-A.
Other names: p.His997Tyr; c.2989C>T (NM_000096.3); short protein forms H997Y.
Identifiers: ClinVar variation 3379503 (VCV003379503.2).